The following is an entry in ClinVar:

ClinVar aggregate classification (germline): Uncertain significance (1 of 4 stars; one submission).

Conditions:
Cardiovascular phenotype. Identifiers: MedGen CN230736.

Submission:

Ambry Genetics
Classification: Uncertain significance for Cardiovascular phenotype. Last evaluated: 2022-07-27. Review status: criteria provided, single submitter. Criteria: Ambry Variant Classification Scheme 2023. Collection method: clinical testing. Allele origin: germline.
Comment: The p.K1769R variant (also known as c.5306A>G), located in coding exon 26 of the APOB gene, results from an A to G substitution at nucleotide position 5306. The lysine at codon 1769 is replaced by arginine, an amino acid with highly similar properties. This amino acid position is conserved. In addition, this alteration is predicted to be tolerated by in silico analysis. Since supporting evidence is limited at this time, the clinical significance of this alteration remains unclear.

NM_000384.3(APOB):c.5306A>G (p.Lys1769Arg)

Gene: APOB (apolipoprotein B; minus strand). Cytogenetic location: 2p24.1.
Variant type: single nucleotide variant.
Coding change: c.5306A>G on transcript NM_000384.3 (MANE Select); coding-DNA position 5306, A replaced by G.
Protein change: p.Lys1769Arg; replaces lysine 1769 with arginine.
Molecular consequence: missense variant.
Genome position (GRCh38, 1-based): chr2:21,011,562, T>C on the plus strand (A>G on the coding strand, the complement: APOB is on the minus strand). VCF-style: chr2-21011562-T-C. GRCh37 (hg19) VCF-style: chr2-21234434-T-C.
Other names: short protein forms K1769R.
Identifiers: ClinVar variation 1746726 (VCV001746726.2), dbSNP rs2465375431, ClinGen allele CA346005014.